The following is an entry in ClinVar:

NM_000170.3(GLDC):c.2397C>A (p.Thr799=)

Gene: GLDC (glycine decarboxylase; minus strand). Cytogenetic location: 9p24.1.
Variant type: single nucleotide variant.
Coding change: c.2397C>A on transcript NM_000170.3 (MANE Select); coding-DNA position 2397, C replaced by A.
Protein change: p.Thr799=; no amino-acid change (threonine 799 retained).
Molecular consequence: synonymous variant.
Genome position (GRCh38, 1-based): chr9:6,553,428, G>T on the plus strand (C>A on the coding strand, the complement: GLDC is on the minus strand). VCF-style: chr9-6553428-G-T. GRCh37 (hg19) VCF-style: chr9-6553428-G-T.
Identifiers: ClinVar variation 870833 (VCV000870833.42), dbSNP rs778396953, ClinGen allele CA4980243.

ClinVar aggregate classification (germline): Conflicting classifications of pathogenicity. Review status: criteria provided, conflicting classifications (1 of 4 stars). 2 submissions from 2 submitters: Uncertain significance (1); Likely benign (1). Last evaluated 2022-08-23.

Conditions:
Glycine encephalopathy. Also called: Non-ketotic hyperglycinemia; Nonketotic hyperglycinemia. Identifiers: Orphanet 407, MedGen C0751748, MONDO:0011612, HP:0008288.

gnomAD v4.1: 2 of 1,613,560 alleles (0.00012%); highest among the groups gnomAD compares: East Asian, 0.0022%; no homozygotes.

Submissions (2):

Labcorp Genetics (formerly Invitae), Labcorp
Classification: Uncertain significance for Glycine encephalopathy. Last evaluated: 2022-08-23. Review status: criteria provided, single submitter. Criteria: Invitae Variant Classification Sherloc (09022015). Collection method: clinical testing. Allele origin: germline.
Comment: This sequence change affects codon 799 of the GLDC mRNA. It is a 'silent' change, meaning that it does not change the encoded amino acid sequence of the GLDC protein. This variant is present in population databases (rs778396953, gnomAD 0.006%). This variant has not been reported in the literature in individuals affected with GLDC-related conditions. ClinVar contains an entry for this variant (Variation ID: 870833). Algorithms developed to predict the effect of sequence changes on RNA splicing suggest that this variant may disrupt the consensus splice site. In summary, the available evidence is currently insufficient to determine the role of this variant in disease. Therefore, it has been classified as a Variant of Uncertain Significance.

CeGaT Center for Human Genetics Tuebingen
Classification: Likely benign. Last evaluated: 2019-07-01. Review status: criteria provided, single submitter. Criteria: CeGaT Center For Human Genetics Tuebingen Variant Classification Criteria Version 2. Collection method: clinical testing. Allele origin: germline. Affected: yes. Observed: 1 variant allele.